The following is an entry in ClinVar:

NM_001267550.2(TTN):c.77812del (p.Trp25938fs)

Genes: TTN (titin; minus strand), TTN-AS1 (TTN antisense RNA 1; plus strand). Cytogenetic location: 2q31.2.
Variant type: Deletion.
Coding change: c.77812del on transcript NM_001267550.2 (MANE Select); coding-DNA position 77812, one base deleted (T; older notation c.77812delT).
Protein change: p.Trp25938fs; shifts the reading frame from tryptophan 25938.
Molecular consequence: frameshift variant.
Genome position (GRCh38, 1-based): chr2:178,568,320, A deleted on the plus strand (T on the coding strand, the reverse complement: TTN is on the minus strand). VCF-style (leftmost placement, unchanged base first): chr2-178568319-CA-C. GRCh37 (hg19) VCF-style: chr2-179433046-CA-C.
Other names: c.72889del, p.Trp24297fs (NM_001256850.1); c.50617del, p.Trp16873fs (NM_003319.4); c.70108del, p.Trp23370fs (NM_133378.4); c.50992del, p.Trp16998fs (NM_133432.3); c.51193del, p.Trp17065fs (NM_133437.4); short protein forms W16873fs, W16998fs, W17065fs, W23370fs, W24297fs, W25938fs.
Identifiers: ClinVar variation 3759385 (VCV003759385.2).

ClinVar aggregate classification (germline): Likely pathogenic (1 of 4 stars; one submission).

Conditions:
Dilated cardiomyopathy 1G (CMD1G). Identifiers: Orphanet 154, MedGen C1858763, MONDO:0011400, OMIM 604145.
Autosomal recessive limb-girdle muscular dystrophy type 2J (LGMDR10). Also called: Limb-girdle muscular dystrophy, type 2J; MUSCULAR DYSTROPHY, LIMB-GIRDLE, AUTOSOMAL RECESSIVE 10. Identifiers: Orphanet 140922, MedGen C1837342, MONDO:0012127, OMIM 608807.

Submission:

Labcorp Genetics (formerly Invitae), Labcorp
Classification: Likely pathogenic for Dilated cardiomyopathy 1G; Autosomal recessive limb-girdle muscular dystrophy type 2J. Last evaluated: 2024-10-07. Review status: criteria provided, single submitter. Criteria: Invitae Variant Classification Sherloc (09022015). Collection method: clinical testing. Allele origin: germline.
Comment: This sequence change creates a premature translational stop signal (p.Trp25938Glyfs*15) in the TTN gene. While this is not anticipated to result in nonsense mediated decay, it is expected to create a truncated TTN protein. This variant is not present in population databases (gnomAD no frequency). This variant has not been reported in the literature in individuals affected with TTN-related conditions. This variant is located in the A band of TTN (PMID: 25589632). Truncating variants in this region are significantly overrepresented in patients affected with dilated cardiomyopathy (PMID: 25589632). Truncating variants in this region have also been reported in individuals affected with autosomal recessive centronuclear myopathy (PMID: 23975875). In summary, the currently available evidence indicates that the variant is pathogenic, but additional data are needed to prove that conclusively. Therefore, this variant has been classified as Likely Pathogenic.

Literature cited by the submitters: PubMed 25589632; PubMed 23975875.